The following is an entry in ClinVar:

ClinVar aggregate classification (germline): Likely pathogenic. Review status: criteria provided, multiple submitters, no conflicts (2 of 4 stars). 2 submissions from 2 submitters: Likely pathogenic (2). Last evaluated 2025-05-08.

Conditions:
Pontocerebellar hypoplasia type 6 (PCH6). Identifiers: Orphanet 166073, MedGen C1969084, MONDO:0012683, OMIM 611523.

Submissions (2):

Natera, Inc.
Classification: Likely pathogenic for Pontocerebellar hypoplasia, type 6. Last evaluated: 2025-05-08. Review status: criteria provided, single submitter. Criteria: Natera Variant Classification Schema (03/2026). Collection method: clinical testing. Allele origin: germline.
Comment: The c.71T>A variant in RARS2 is a nonsense variant predicted to introduce a stop codon at amino acid 24. This variant is expected to result in nonsense mediated decay, truncation, or a dysfunctional protein product. This variant is rare in the general population with a frequency below the threshold expected for the associated phenotype(s). Given the available evidence, this variant is classified as Likely Pathogenic.

Baylor Genetics
Classification: Likely pathogenic for Pontocerebellar hypoplasia type 6. Last evaluated: 2023-12-17. Review status: criteria provided, single submitter. Criteria: ACMG Guidelines, 2015. Collection method: clinical testing. Allele origin: unknown.

NM_020320.5(RARS2):c.71T>A (p.Leu24Ter)

Gene: RARS2 (arginyl-tRNA synthetase 2, mitochondrial; minus strand). Cytogenetic location: 6q15.
Variant type: single nucleotide variant.
Coding change: c.71T>A on transcript NM_020320.5 (MANE Select); coding-DNA position 71, T replaced by A.
Protein change: p.Leu24Ter; replaces leucine 24 with a stop codon.
Molecular consequence: nonsense. On other transcripts: 5 prime UTR variant (6), non-coding transcript variant (21), intron variant (1).
Genome position (GRCh38, 1-based): chr6:87,569,556, A>T on the plus strand (T>A on the coding strand, the complement: RARS2 is on the minus strand). VCF-style: chr6-87569556-A-T. GRCh37 (hg19) VCF-style: chr6-88279274-A-T.
Other names: c.-399T>A (NM_001318785.2); c.71T>A, p.Leu24Ter (NM_001350505.2); c.-455T>A (NM_001350506.2, NM_001350507.2, NM_001350510.2); c.-617T>A (NM_001350508.2); c.-574T>A (NM_001350511.2); c.-359-5324T>A (NM_001350509.2); c.71T>A (NM_020320.4); short protein forms L24*.
Identifiers: ClinVar variation 3240283 (VCV003240283.3), dbSNP rs2485060437.